The following is an entry in ClinVar:

ClinVar aggregate classification (germline): Uncertain significance (1 of 4 stars; one submission).

Conditions:
T-cell immunodeficiency, congenital alopecia, and nail dystrophy. Also called: Congenital alopecia and nail dystrophy associated with severe functional T-cell immunodeficiency; Pignata Guarino syndrome. Identifiers: Orphanet 169095, MedGen C1866426, MONDO:0011132, OMIM 601705.

Submission:

Labcorp Genetics (formerly Invitae), Labcorp
Classification: Uncertain significance for T-cell immunodeficiency, congenital alopecia, and nail dystrophy. Last evaluated: 2023-10-14. Review status: criteria provided, single submitter. Criteria: Invitae Variant Classification Sherloc (09022015). Collection method: clinical testing. Allele origin: germline.
Comment: This sequence change results in a frameshift in the FOXN1 gene (p.Ser642Profs*32). While this is not anticipated to result in nonsense mediated decay, it is expected to disrupt the last 7 amino acid(s) of the FOXN1 protein and extend the protein by 24 additional amino acid residues. This variant is present in population databases (no rsID available, gnomAD 0.003%). This variant has not been reported in the literature in individuals affected with FOXN1-related conditions. Experimental studies and prediction algorithms are not available or were not evaluated, and the functional significance of this variant is currently unknown. In summary, the available evidence is currently insufficient to determine the role of this variant in disease. Therefore, it has been classified as a Variant of Uncertain Significance.

NM_001369369.1(FOXN1):c.1924_1930del (p.Ser642fs)

Gene: FOXN1 (forkhead box N1; plus strand). Cytogenetic location: 17q11.2.
Variant type: Deletion.
Coding change: c.1924_1930del on transcript NM_001369369.1 (MANE Select); coding-DNA positions 1924 to 1930, 7 bases deleted (TCCAAGC; older notation c.1924_1930delTCCAAGC).
Protein change: p.Ser642fs; shifts the reading frame from serine 642.
Molecular consequence: frameshift variant.
Genome position (GRCh38, 1-based): chr17:28,537,413-28,537,419, TCCAAGC deleted; deleting any 7 consecutive bases within chr17:28,537,410-28,537,419 gives the same sequence; the c. name uses the placement nearest the transcript's 3' end. VCF-style (leftmost placement, unchanged base first): chr17-28537409-CAGCTCCA-C. GRCh37 (hg19) VCF-style: chr17-26864427-CAGCTCCA-C.
Other names: c.1924_1930del, p.Ser642fs (NM_003593.3); short protein forms S642fs.
Identifiers: ClinVar variation 2777364 (VCV002777364.3), dbSNP rs1482924497, ClinGen allele CA625774956.